The following is an entry in ClinVar:

NM_004006.3(DMD):c.3713A>G (p.Lys1238Arg)

Gene: DMD (dystrophin; minus strand). Cytogenetic location: Xp21.1.
Variant type: single nucleotide variant.
Coding change: c.3713A>G on transcript NM_004006.3 (MANE Select); coding-DNA position 3713, A replaced by G.
Protein change: p.Lys1238Arg; replaces lysine 1238 with arginine.
Molecular consequence: missense variant.
Genome position (GRCh38, 1-based): chrX:32,448,529, T>C on the plus strand (A>G on the coding strand, the complement: DMD is on the minus strand). VCF-style: chrX-32448529-T-C. GRCh37 (hg19) VCF-style: chrX-32466646-T-C.
Other names: c.3689A>G, p.Lys1230Arg (NM_000109.4); c.3701A>G, p.Lys1234Arg (NM_004009.3); c.3344A>G, p.Lys1115Arg (NM_004010.3); short protein forms K1238R, K1234R, K1115R, K1230R.
Identifiers: ClinVar variation 526044 (VCV000526044.12), dbSNP rs150333718, ClinGen allele CA10379202.
Genomic context (GRCh38, chrX:32,448,529, plus strand): 5'-CATTTCCCATTCAGCCTAGTGCAGAGCCACTGGTAGTTGGTGGTTAGAGTTTCAAGTTCC[T>C]TTTTTAAGGCCTCTTGTGCTACAGGTGGAGCTTGAGCTATGACACTATTTACAGACTCAG-3'
Protein context (NP_003997.2, residues 1228-1248): APPVAQEALK[Lys1238Arg]ELETLTTNYQ

ClinVar aggregate classification (germline): Conflicting classifications of pathogenicity. Review status: criteria provided, conflicting classifications (1 of 4 stars). 3 submissions from 3 submitters: Uncertain significance (1); Likely benign (1). 1 of the submissions does not count toward it. Last evaluated 2025-01-01.

Conditions:
Cardiovascular phenotype. Identifiers: MedGen CN230736.
Dystrophin deficiency.
Cardiomyopathy (CMYO). Also called: Cardiomyopathies. Identifiers: Orphanet 167848, MedGen C0878544, MONDO:0004994, HP:0001638. Inheritance: Various modes of inheritance.
Becker muscular dystrophy (BMD). Also called: Becker Muscular Dystrophy (BMD); MUSCULAR DYSTROPHY, PSEUDOHYPERTROPHIC PROGRESSIVE, BECKER TYPE. Identifiers: Orphanet 98895, MedGen C0917713, MONDO:0010311, OMIM 300376.
Duchenne muscular dystrophy (DMD). Also called: Duchenne Muscular Dystrophy (DMD); MUSCULAR DYSTROPHY, PSEUDOHYPERTROPHIC PROGRESSIVE, DUCHENNE TYPE. Identifiers: Orphanet 98896, MedGen C0013264, MONDO:0010679, OMIM 310200.

Allele frequency attached by ClinVar (database versions not stated): ExAC 0.00002; gnomAD exomes 0.00003 and 0.00001; TOPMed 0.00003; gnomAD 0.00004; ESP Exome Variant Server 0.00009.
gnomAD v4.1: 7 of 1,206,559 alleles (0.00058%); highest among the groups gnomAD compares: African/African-American, 0.007%; no homozygotes.

Submissions (3):

Labcorp Genetics (formerly Invitae), Labcorp
Classification: Uncertain significance for Duchenne muscular dystrophy. Last evaluated: 2025-01-01. Review status: criteria provided, single submitter. Criteria: Invitae Variant Classification Sherloc (09022015). Collection method: clinical testing. Allele origin: germline.
Comment: This sequence change replaces lysine, which is basic and polar, with arginine, which is basic and polar, at codon 1238 of the DMD protein (p.Lys1238Arg). The frequency data for this variant in the population databases is considered unreliable, as metrics indicate poor data quality at this position in the gnomAD database. This variant has not been reported in the literature in individuals affected with DMD-related conditions. ClinVar contains an entry for this variant (Variation ID: 526044). Invitae Evidence Modeling of protein sequence and biophysical properties (such as structural, functional, and spatial information, amino acid conservation, physicochemical variation, residue mobility, and thermodynamic stability) indicates that this missense variant is not expected to disrupt DMD protein function with a negative predictive value of 95%. In summary, the available evidence is currently insufficient to determine the role of this variant in disease. Therefore, it has been classified as a Variant of Uncertain Significance.

Ambry Genetics
Classification: Likely benign for Cardiovascular phenotype. Last evaluated: 2023-12-14. Review status: criteria provided, single submitter. Criteria: Ambry Variant Classification Scheme 2023. Collection method: clinical testing. Allele origin: germline.

Natera, Inc.
Classification: Uncertain significance for Becker muscular dystrophy; Cardiomyopathy; Duchenne muscular dystrophy; Dystrophin deficiency. Last evaluated: 2018-11-15. Review status: no assertion criteria provided. Collection method: clinical testing. Allele origin: germline. Not counted in ClinVar's aggregate classification.